The following is an entry in ClinVar:

ClinVar aggregate classification (germline): Benign. Review status: criteria provided, multiple submitters, no conflicts (2 of 4 stars). 4 submissions from 4 submitters: Benign (3). 1 of the submissions does not count toward it. Last evaluated 2022-05-01.

Conditions:
BIRC6-related disorder. Also called: BIRC6-related condition.

Allele frequency attached by ClinVar (database versions not stated): gnomAD 0.00659 and 0.00670; ESP Exome Variant Server 0.00807; 1000 Genomes Project 30x 0.00094; 1000 Genomes Project 0.00100; TOPMed 0.00605.
gnomAD v4.1: 14,637 of 1,604,496 alleles (0.91%); highest among the groups gnomAD compares: Non-Finnish European, 1.1%; 77 homozygotes.

Submissions (4):

CeGaT Center for Human Genetics Tuebingen
Classification: Benign. Last evaluated: 2022-05-01. Review status: criteria provided, single submitter. Criteria: CeGaT Center For Human Genetics Tuebingen Variant Classification Criteria Version 2. Collection method: clinical testing. Allele origin: germline. Affected: yes. Observed: 1 variant allele.
Comment: BIRC6: BP4, BP7, BS1, BS2

Labcorp Genetics (formerly Invitae), Labcorp
Classification: Benign. Last evaluated: 2019-12-31. Review status: criteria provided, single submitter. Criteria: Invitae Variant Classification Sherloc (09022015). Collection method: clinical testing. Allele origin: germline.

Breakthrough Genomics
Classification: Benign. Review status: criteria provided, single submitter. Criteria: ACMG Guidelines, 2015. Collection method: not provided. Allele origin: germline. Inheritance: Unknown mechanism. Affected: yes.

PreventionGenetics, part of Exact Sciences
Classification: Benign for BIRC6-related condition. Last evaluated: 2019-02-20. Review status: no assertion criteria provided. Collection method: clinical testing. Allele origin: germline. Not counted in ClinVar's aggregate classification.
Comment: This variant is classified as benign based on ACMG/AMP sequence variant interpretation guidelines (Richards et al. 2015 PMID: 25741868, with internal and published modifications).

NM_016252.4(BIRC6):c.3324C>T (p.Phe1108=)

Gene: BIRC6 (baculoviral IAP repeat containing 6; plus strand). Cytogenetic location: 2p22.3.
Variant type: single nucleotide variant.
Coding change: c.3324C>T on transcript NM_016252.4 (MANE Select); coding-DNA position 3324, C replaced by T.
Protein change: p.Phe1108=; no amino-acid change (phenylalanine 1108 retained).
Molecular consequence: synonymous variant.
Genome position (GRCh38, 1-based): chr2:32,433,719, C>T. VCF-style: chr2-32433719-C-T. GRCh37 (hg19) VCF-style: chr2-32658787-C-T.
Other names: c.3240C>T, p.Phe1080= (NM_001378125.1).
Identifiers: ClinVar variation 780021 (VCV000780021.30), dbSNP rs36065012, ClinGen allele CA1603093.